The following is an entry in ClinVar:

NM_004086.3(COCH):c.259G>T (p.Gly87Trp)

Genes: COCH (cochlin; plus strand), COCH-AS1 (COCH antisense RNA 1; minus strand). Cytogenetic location: 14q12.
Variant type: single nucleotide variant.
Coding change: c.259G>T on transcript NM_004086.3 (MANE Select); coding-DNA position 259, G replaced by T.
Protein change: p.Gly87Trp; replaces glycine 87 with tryptophan.
Molecular consequence: missense variant.
Genome position (GRCh38, 1-based): chr14:30,878,830, G>T. VCF-style: chr14-30878830-G-T. GRCh37 (hg19) VCF-style: chr14-31348036-G-T.
Other names: NM_004086.3(COCH):c.259G>T; p.Gly87Trp; c.259G>T, p.Gly87Trp (NM_001135058.2); c.454G>T, p.Gly152Trp (NM_001347720.2); short protein forms G152W, G87W.
Identifiers: ClinVar variation 1297642 (VCV001297642.6), dbSNP rs2138843742, ClinGen allele CA389344541.

ClinVar aggregate classification (germline): Likely pathogenic. Review status: reviewed by expert panel (3 of 4 stars). 4 submissions from 4 submitters: Likely pathogenic (1). 3 of the submissions do not count toward it. Last evaluated 2026-09-16.

Conditions:
Nonsyndromic genetic hearing loss. Also called: Nonsyndromic genetic deafness; Nonsyndromic hearing loss and deafness; Non-syndromic genetic deafness. Identifiers: Orphanet 87884, MedGen C5680182, MONDO:0019497.

Allele frequency attached by ClinVar (database versions not stated): gnomAD exomes below 0.00001.
gnomAD v4.1: 1 of 1,614,110 alleles (0.000062%); highest among the groups gnomAD compares: Non-Finnish European, 0.000085%; no homozygotes.

Submissions (4):

ClinGen Hearing Loss Variant Curation Expert Panel
Classification: Likely pathogenic for Nonsyndromic genetic hearing loss. Last evaluated: 2026-09-16. Review status: reviewed by expert panel. Criteria: Clingen Hl Acmg Specifications Cdh23 Coch Gjb2 Kcnq4 Myo6 Myo7a Slc26a4 Tecta Ush2a V2. Collection method: curation. Allele origin: germline. Inheritance: Autosomal dominant inheritance.
Comment: The variant NM_004086.3:c.259G>T in COCH is a missense variant predicted to cause substitution of Glycine to Tryptophan at amino acid 87 (p.Gly87Trp). The highest population minor allele frequency in gnomAD v4.1.1 is 0.00008474% (1/1180026 -European [non-Finnish], PM2_Supporting met). The in silico predictor REVEL yields a score of 0.911, which is above the threshold of 0.7 (PP3 met). This variant was identified in a Dutch family (PMID:16835921), in which it segregated with progressive, late-onset HL and concomitant vestibular dysfunction in 16 affected family members (PP1_Strong met). Given the highly specific phenotype of progressive hearing loss with vestibular dysfunction, the HL-VCEP decided to apply PP4 evidence criteria. Functional studies showed no alteration in protein secretion or aggregate formation; however, protein cleavage was not evaluated. Therefore, BS3_Supporting was not applied. In summary, based on the current evidence (PP1_Strong, PP4, PP3 & PM2_Supporting), the variant NM_004086.3(COCH):c.259G>T (p.Gly87Trp) is classified as Likely-Pathogenic for autosomal dominant non-syndromic SNHL based on the ACMG/AMP criteria applied, as specified by the ClinGen HL-VCEP (ClinGen Hearing Loss VCEP specifications version 2; 09/16/2026).

CeGaT Center for Human Genetics Tuebingen
Classification: Pathogenic. Last evaluated: 2026-06-01. Review status: criteria provided, single submitter. Criteria: CeGaT Center For Human Genetics Tuebingen Variant Classification Criteria Version 2. Collection method: clinical testing. Allele origin: germline. Affected: yes. Observed: 1 variant allele. Not counted in ClinVar's aggregate classification.
Comment: COCH: PS4, PM2, PM5, PP1, PP4

Clinical Genetics DNA and cytogenetics Diagnostics Lab, Erasmus MC, Erasmus Medical Center
Classification: Pathogenic. Review status: no assertion criteria provided. Collection method: clinical testing. Allele origin: germline. Affected: yes. Study: VKGL Data-share Consensus. Not counted in ClinVar's aggregate classification.

Joint Genome Diagnostic Labs from Nijmegen and Maastricht, Radboudumc and MUMC+
Classification: Likely pathogenic. Review status: no assertion criteria provided. Collection method: clinical testing. Allele origin: germline. Affected: yes. Study: VKGL Data-share Consensus. Not counted in ClinVar's aggregate classification.